The following is an entry in ClinVar:

NM_004706.4(ARHGEF1):c.578T>A (p.Val193Glu)

Gene: ARHGEF1 (Rho guanine nucleotide exchange factor 1; plus strand). Cytogenetic location: 19q13.2.
Variant type: single nucleotide variant.
Coding change: c.578T>A on transcript NM_004706.4 (MANE Select); coding-DNA position 578, T replaced by A.
Protein change: p.Val193Glu; replaces valine 193 with glutamic acid.
Molecular consequence: missense variant. On other transcripts: non-coding transcript variant (2).
Genome position (GRCh38, 1-based): chr19:41,892,813, T>A. VCF-style: chr19-41892813-T-A. GRCh37 (hg19) VCF-style: chr19-42396884-T-A.
Other names: c.578T>A, p.Val193Glu (NM_001396000.1, NM_001396003.1, NM_001396006.1); c.479T>A, p.Val160Glu (NM_001396002.1, NM_001396004.1, NM_198977.2); c.623T>A, p.Val208Glu (NM_199002.2); short protein forms V193E, V160E, V208E.
Identifiers: ClinVar variation 1997474 (VCV001997474.4), dbSNP rs2074398837, ClinGen allele CA406048700.

ClinVar aggregate classification (germline): Uncertain significance (1 of 4 stars; one submission).

Submission:

Labcorp Genetics (formerly Invitae), Labcorp
Classification: Uncertain significance. Last evaluated: 2022-05-21. Review status: criteria provided, single submitter. Criteria: Invitae Variant Classification Sherloc (09022015). Collection method: clinical testing. Allele origin: germline.
Comment: This sequence change replaces valine, which is neutral and non-polar, with glutamic acid, which is acidic and polar, at codon 208 of the ARHGEF1 protein (p.Val208Glu). In summary, the available evidence is currently insufficient to determine the role of this variant in disease. Therefore, it has been classified as a Variant of Uncertain Significance. Algorithms developed to predict the effect of missense changes on protein structure and function are either unavailable or do not agree on the potential impact of this missense change (SIFT: "Deleterious"; PolyPhen-2: "Benign"; Align-GVGD: "Class C0"). This variant has not been reported in the literature in individuals affected with ARHGEF1-related conditions. This variant is not present in population databases (gnomAD no frequency).